The following is an entry in ClinVar:

ClinVar aggregate classification (germline): Uncertain significance (1 of 4 stars; one submission).

Conditions:
Actin accumulation myopathy (CMYO2A). Also called: Myopathy, actin, congenital, with cores; Nemaline myopathy 3, with intranuclear rods; Nemaline myopathy type 3; Myopathy, actin, congenital, with excess of thin myofilaments; CONGENITAL MYOPATHY 2A, TYPICAL, AUTOSOMAL DOMINANT. Identifiers: Orphanet 98904, MedGen C3711389, MONDO:0008070, OMIM 161800.

Submission:

Labcorp Genetics (formerly Invitae), Labcorp
Classification: Uncertain significance for Actin accumulation myopathy. Last evaluated: 2024-05-07. Review status: criteria provided, single submitter. Criteria: Invitae Variant Classification Sherloc (09022015). Collection method: clinical testing. Allele origin: germline.
Comment: This sequence change replaces tyrosine, which is neutral and polar, with cysteine, which is neutral and slightly polar, at codon 296 of the ACTA1 protein (p.Tyr296Cys). This variant is not present in population databases (gnomAD no frequency). This variant has not been reported in the literature in individuals affected with ACTA1-related conditions. Advanced modeling of protein sequence and biophysical properties (such as structural, functional, and spatial information, amino acid conservation, physicochemical variation, residue mobility, and thermodynamic stability) performed at Invitae indicates that this missense variant is not expected to disrupt ACTA1 protein function with a negative predictive value of 80%. In summary, the available evidence is currently insufficient to determine the role of this variant in disease. Therefore, it has been classified as a Variant of Uncertain Significance.

NM_001100.4(ACTA1):c.887A>G (p.Tyr296Cys)

Gene: ACTA1 (actin alpha 1, skeletal muscle; minus strand). Cytogenetic location: 1q42.13.
Variant type: single nucleotide variant.
Coding change: c.887A>G on transcript NM_001100.4 (MANE Select); coding-DNA position 887, A replaced by G.
Protein change: p.Tyr296Cys; replaces tyrosine 296 with cysteine.
Molecular consequence: missense variant.
Genome position (GRCh38, 1-based): chr1:229,431,824, T>C on the plus strand (A>G on the coding strand, the complement: ACTA1 is on the minus strand). VCF-style: chr1-229431824-T-C. GRCh37 (hg19) VCF-style: chr1-229567571-T-C.
Other names: short protein forms Y296C.
Identifiers: ClinVar variation 3652512 (VCV003652512.2).